The following is an entry in ClinVar:

ClinVar aggregate classification (germline): Uncertain significance (1 of 4 stars; one submission).

Conditions:
Pitt-Hopkins syndrome (PTHS). Also called: ENCEPHALOPATHY, SEVERE EPILEPTIC, WITH AUTONOMIC DYSFUNCTION; MENTAL RETARDATION, SYNDROMAL, WITH INTERMITTENT HYPERVENTILATION. Identifiers: Orphanet 2896, MedGen C1970431, MONDO:0012589, OMIM 610954.

Submission:

Labcorp Genetics (formerly Invitae), Labcorp
Classification: Uncertain significance for Pitt-Hopkins syndrome. Last evaluated: 2024-02-20. Review status: criteria provided, single submitter. Criteria: Invitae Variant Classification Sherloc (09022015). Collection method: clinical testing. Allele origin: germline.
Comment: This sequence change replaces threonine, which is neutral and polar, with alanine, which is neutral and non-polar, at codon 46 of the TCF4 protein (p.Thr46Ala). This variant is not present in population databases (gnomAD no frequency). This variant has not been reported in the literature in individuals affected with TCF4-related conditions. ClinVar contains an entry for this variant (Variation ID: 1041785). Advanced modeling of protein sequence and biophysical properties (such as structural, functional, and spatial information, amino acid conservation, physicochemical variation, residue mobility, and thermodynamic stability) performed at Invitae indicates that this missense variant is not expected to disrupt TCF4 protein function with a negative predictive value of 95%. In summary, the available evidence is currently insufficient to determine the role of this variant in disease. Therefore, it has been classified as a Variant of Uncertain Significance.

NM_001083962.2(TCF4):c.136A>G (p.Thr46Ala)

Gene: TCF4 (transcription factor 4; minus strand). Cytogenetic location: 18q21.2.
Variant type: single nucleotide variant.
Coding change: c.136A>G on transcript NM_001083962.2 (MANE Select); coding-DNA position 136, A replaced by G.
Protein change: p.Thr46Ala; replaces threonine 46 with alanine.
Molecular consequence: missense variant.
Genome position (GRCh38, 1-based): chr18:55,585,289, T>C on the plus strand (A>G on the coding strand, the complement: TCF4 is on the minus strand). VCF-style: chr18-55585289-T-C. GRCh37 (hg19) VCF-style: chr18-53252520-T-C.
Other names: c.442A>G, p.Thr148Ala (NM_001243226.3); c.64A>G, p.Thr22Ala (NM_001243227.2, NM_001306207.1, NM_001348217.1 and 15 more transcripts); c.136A>G, p.Thr46Ala (NM_001243228.2, NM_001330604.3, NM_001369567.1 and 8 more transcripts); c.130A>G, p.Thr44Ala (NM_001243230.2); short protein forms T148A, T22A, T44A, T46A.
Identifiers: ClinVar variation 1041785 (VCV001041785.9), dbSNP rs2097629150, ClinGen allele CA402704017.